The following is an entry in ClinVar:

NM_152281.3(GORAB):c.130C>T (p.Leu44Phe)

Gene: GORAB (golgin, RAB6 interacting; plus strand). Cytogenetic location: 1q24.2.
Variant type: single nucleotide variant.
Coding change: c.130C>T on transcript NM_152281.3 (MANE Select); coding-DNA position 130, C replaced by T.
Protein change: p.Leu44Phe; replaces leucine 44 with phenylalanine.
Molecular consequence: missense variant. On other transcripts: 5 prime UTR variant (1), non-coding transcript variant (1).
Genome position (GRCh38, 1-based): chr1:170,539,278, C>T. VCF-style: chr1-170539278-C-T. GRCh37 (hg19) VCF-style: chr1-170508419-C-T.
Other names: c.130C>T, p.Leu44Phe (NM_001146039.2); c.-336C>T (NM_001320252.2); short protein forms L44F.
Identifiers: ClinVar variation 1375960 (VCV001375960.8), dbSNP rs2101820822, ClinGen allele CA343161913.
Genomic context (GRCh38, chr1:170,539,278, plus strand): 5'-GAACCACAGCGACGTCTCCCCGCGAAGAAAAGTCGACAACAACTTCAGCGAGAAAAAGCC[C>T]TTGTAGAGCAAAGCCAAAAACTTGGGCTTCAAGATGGATCAACCTCATTACTTCCAGAGC-3'
Protein context (NP_689494.3, residues 34-54): SRQQLQREKA[Leu44Phe]VEQSQKLGLQ

ClinVar aggregate classification (germline): Uncertain significance (1 of 4 stars; one submission).

Allele frequency attached by ClinVar (database versions not stated): gnomAD exomes below 0.00001.
gnomAD v4.1: 3 of 1,614,168 alleles (0.00019%); highest among the groups gnomAD compares: Non-Finnish European, 0.00025%; no homozygotes.

Submission:

Labcorp Genetics (formerly Invitae), Labcorp
Classification: Uncertain significance. Last evaluated: 2022-11-08. Review status: criteria provided, single submitter. Criteria: Invitae Variant Classification Sherloc (09022015). Collection method: clinical testing. Allele origin: germline.
Comment: In summary, the available evidence is currently insufficient to determine the role of this variant in disease. Therefore, it has been classified as a Variant of Uncertain Significance. Algorithms developed to predict the effect of missense changes on protein structure and function are either unavailable or do not agree on the potential impact of this missense change (SIFT: "Tolerated"; PolyPhen-2: "Probably Damaging"; Align-GVGD: "Class C0"). ClinVar contains an entry for this variant (Variation ID: 1375960). This variant has not been reported in the literature in individuals affected with GORAB-related conditions. This variant is not present in population databases (gnomAD no frequency). This sequence change replaces leucine, which is neutral and non-polar, with phenylalanine, which is neutral and non-polar, at codon 69 of the GORAB protein (p.Leu69Phe).